The following is an entry in ClinVar:

ClinVar aggregate classification (germline): Uncertain significance (1 of 4 stars; one submission).

gnomAD v4.1: 8 of 1,577,646 alleles (0.00051%); highest among the groups gnomAD compares: South Asian, 0.0066%; no homozygotes.

Submission:

GeneDx
Classification: Uncertain significance. Last evaluated: 2023-08-07. Review status: criteria provided, single submitter. Criteria: GeneDx Variant Classification Process June 2021. Collection method: clinical testing. Allele origin: germline. Affected: yes.
Comment: In silico analysis supports that this missense variant does not alter protein structure/function; Has not been previously published as pathogenic or benign to our knowledge

NM_004667.6(HERC2):c.4391G>A (p.Gly1464Asp)

Gene: HERC2 (HECT and RLD domain containing E3 ubiquitin protein ligase 2; minus strand). Cytogenetic location: 15q13.1.
Variant type: single nucleotide variant.
Coding change: c.4391G>A on transcript NM_004667.6 (MANE Select); coding-DNA position 4391, G replaced by A.
Protein change: p.Gly1464Asp; replaces glycine 1464 with aspartic acid.
Molecular consequence: missense variant.
Genome position (GRCh38, 1-based): chr15:28,233,522, C>T on the plus strand (G>A on the coding strand, the complement: HERC2 is on the minus strand). VCF-style: chr15-28233522-C-T. GRCh37 (hg19) VCF-style: chr15-28478668-C-T.
Other names: short protein forms G1464D.
Identifiers: ClinVar variation 3361755 (VCV003361755.1).